The following is an entry in ClinVar:

NM_002693.3(POLG):c.2165G>C (p.Arg722Pro)

Gene: POLG (DNA polymerase gamma, catalytic subunit; minus strand). Cytogenetic location: 15q26.1.
Variant type: single nucleotide variant.
Coding change: c.2165G>C on transcript NM_002693.3 (MANE Select); coding-DNA position 2165, G replaced by C.
Protein change: p.Arg722Pro; replaces arginine 722 with proline.
Molecular consequence: missense variant.
Genome position (GRCh38, 1-based): chr15:89,323,504, C>G on the plus strand (G>C on the coding strand, the complement: POLG is on the minus strand). VCF-style: chr15-89323504-C-G. GRCh37 (hg19) VCF-style: chr15-89866735-C-G.
Other names: c.2165G>C, p.Arg722Pro (NM_001126131.2); short protein forms R722P.
Identifiers: ClinVar variation 951109 (VCV000951109.11), dbSNP rs185645212, ClinGen allele CA393756931.

ClinVar aggregate classification (germline): Uncertain significance. Review status: criteria provided, multiple submitters, no conflicts (2 of 4 stars). 2 submissions from 2 submitters: Uncertain significance (2). Last evaluated 2024-09-25.

Conditions:
Progressive sclerosing poliodystrophy (MTDPS4A). Also called: ALPERS PROGRESSIVE INFANTILE POLIODYSTROPHY; Mitochondrial DNA depletion syndrome 4A (Alpers type); ALPERS DIFFUSE DEGENERATION OF CEREBRAL GRAY MATTER WITH HEPATIC CIRRHOSIS; Alpers-Huttenlocher Syndrome; Alpers-Huttenlocher Syndrome (AHS); Alpers Syndrome. Identifiers: Orphanet 726, MedGen C0205710, MONDO:0008758, OMIM 203700.

gnomAD v4.1: 3 of 1,608,372 alleles (0.00019%); highest among the groups gnomAD compares: Admixed American, 0.0017%; no homozygotes.

Submissions (2):

Labcorp Genetics (formerly Invitae), Labcorp
Classification: Uncertain significance for Progressive sclerosing poliodystrophy. Last evaluated: 2024-09-25. Review status: criteria provided, single submitter. Criteria: Invitae Variant Classification Sherloc (09022015). Collection method: clinical testing. Allele origin: germline.
Comment: This sequence change replaces arginine, which is basic and polar, with proline, which is neutral and non-polar, at codon 722 of the POLG protein (p.Arg722Pro). This variant is not present in population databases (gnomAD no frequency). This variant has not been reported in the literature in individuals affected with POLG-related conditions. ClinVar contains an entry for this variant (Variation ID: 951109). Invitae Evidence Modeling of protein sequence and biophysical properties (such as structural, functional, and spatial information, amino acid conservation, physicochemical variation, residue mobility, and thermodynamic stability) indicates that this missense variant is not expected to disrupt POLG protein function with a negative predictive value of 95%. This variant disrupts the p.Arg722 amino acid residue in POLG. Other variant(s) that disrupt this residue have been determined to be pathogenic (PMID: 20438629, 21357833, 24122062). This suggests that this residue is clinically significant, and that variants that disrupt this residue are likely to be disease-causing. In summary, the available evidence is currently insufficient to determine the role of this variant in disease. Therefore, it has been classified as a Variant of Uncertain Significance.

GeneDx
Classification: Uncertain significance. Last evaluated: 2023-11-02. Review status: criteria provided, single submitter. Criteria: GeneDx Variant Classification Process June 2021. Collection method: clinical testing. Allele origin: germline. Affected: yes.
Comment: Not observed at significant frequency in large population cohorts (gnomAD); In silico analysis supports that this missense variant does not alter protein structure/function; Has not been previously published as pathogenic or benign to our knowledge

Literature cited by the submitters: PubMed 20438629 (cited by Labcorp Genetics (formerly Invitae), Labcorp); PubMed 21357833 (cited by Labcorp Genetics (formerly Invitae), Labcorp); PubMed 24122062 (cited by Labcorp Genetics (formerly Invitae), Labcorp).